The following is an entry in ClinVar:

NM_030962.4(SBF2):c.1396-295T>C

Gene: SBF2 (SET binding factor 2; minus strand). Cytogenetic location: 11p15.4.
Variant type: single nucleotide variant.
Coding change: c.1396-295T>C on transcript NM_030962.4 (MANE Select); 295 bases into the intron before coding-DNA position 1396, T replaced by C.
Molecular consequence: intron variant.
Genome position (GRCh38, 1-based): chr11:9,968,840, A>G on the plus strand (T>C on the coding strand, the complement: SBF2 is on the minus strand). VCF-style: chr11-9968840-A-G. GRCh37 (hg19) VCF-style: chr11-9990387-A-G.
Other names: c.1267-295T>C (NM_001386342.1); c.1396-295T>C (NM_001386339.1).
Identifiers: ClinVar variation 673717 (VCV000673717.1), dbSNP rs77182089, ClinGen allele CA15694792.

ClinVar aggregate classification (germline): Likely benign (1 of 4 stars; one submission).

Allele frequency attached by ClinVar (database versions not stated): 1000 Genomes Project 30x 0.08885; 1000 Genomes Project 0.09205; TOPMed 0.03959.
gnomAD v4.1: 5,175 of 152,184 alleles (3.4%); highest among the groups gnomAD compares: East Asian, 18%; 317 homozygotes.

Submission:

GeneDx
Classification: Likely benign. Last evaluated: 2018-06-16. Review status: criteria provided, single submitter. Criteria: GeneDx Variant Classification (06012015). Collection method: clinical testing. Allele origin: germline. Affected: yes.
Comment: This variant is considered likely benign or benign based on one or more of the following criteria: it is a conservative change, it occurs at a poorly conserved position in the protein, it is predicted to be benign by multiple in silico algorithms, and/or has population frequency not consistent with disease.